The following is an entry in ClinVar:

NM_020911.2(PLXNA4):c.2298+9C>T

Gene: PLXNA4 (plexin A4; minus strand). Cytogenetic location: 7q32.3.
Variant type: single nucleotide variant.
Coding change: c.2298+9C>T on transcript NM_020911.2 (MANE Select); 9 bases into the intron after coding-DNA position 2298, C replaced by T.
Molecular consequence: intron variant.
Genome position (GRCh38, 1-based): chr7:132,210,934, G>A on the plus strand (C>T on the coding strand, the complement: PLXNA4 is on the minus strand). VCF-style: chr7-132210934-G-A. GRCh37 (hg19) VCF-style: chr7-131895693-G-A.
Other names: c.2298+9C>T (NM_001393897.1).
Identifiers: ClinVar variation 4999919 (VCV004999919.1).

ClinVar aggregate classification (germline): Likely benign (1 of 4 stars; one submission).

Conditions:
PLXNA4-related disorder. Also called: PLXNA4-related condition.

gnomAD v4.1: 43 of 1,608,224 alleles (0.0027%); highest among the groups gnomAD compares: Non-Finnish European, 0.0037%; no homozygotes.

Submission:

PreventionGenetics, part of Exact Sciences
Classification: Likely benign for PLXNA4-related condition. Last evaluated: 2025-09-03. Review status: criteria provided, single submitter. Criteria: ACMG Guidelines, 2015. Collection method: clinical testing. Allele origin: germline.
Comment: This variant is classified as likely benign based on ACMG/AMP sequence variant interpretation guidelines (Richards et al. 2015 PMID: 25741868, with internal and published modifications).